The following is an entry in ClinVar:

NM_001943.5(DSG2):c.904G>A (p.Gly302Ser)

Gene: DSG2 (desmoglein 2; plus strand). Cytogenetic location: 18q12.1.
Variant type: single nucleotide variant.
Coding change: c.904G>A on transcript NM_001943.5 (MANE Select); coding-DNA position 904, G replaced by A.
Protein change: p.Gly302Ser; replaces glycine 302 with serine.
Molecular consequence: missense variant.
Genome position (GRCh38, 1-based): chr18:31,524,778, G>A. VCF-style: chr18-31524778-G-A. GRCh37 (hg19) VCF-style: chr18-29104741-G-A.
Other names: short protein forms G302S.
Identifiers: ClinVar variation 1519487 (VCV001519487.6), dbSNP rs1402723514, ClinGen allele CA402135630.

ClinVar aggregate classification (germline): Uncertain significance. Review status: criteria provided, multiple submitters, no conflicts (2 of 4 stars). 2 submissions from 2 submitters: Uncertain significance (2). Last evaluated 2025-05-12.

Conditions:
Cardiomyopathy (CMYO). Also called: Cardiomyopathies. Identifiers: Orphanet 167848, MedGen C0878544, MONDO:0004994, HP:0001638. Inheritance: Various modes of inheritance.
Arrhythmogenic right ventricular dysplasia 10. Also called: Arrhythmogenic Right Ventricular Dysplasia/Cardiomyopathy10; ARRHYTHMOGENIC RIGHT VENTRICULAR DYSPLASIA, FAMILIAL, 10; Arrhythmogenic right ventricular dysplasia/cardiomyopathy, type 10. Identifiers: MedGen C1857777, MONDO:0012434, OMIM 610193.

Allele frequency attached by ClinVar (database versions not stated): gnomAD exomes below 0.00001; TOPMed 0.00001.
gnomAD v4.1: 1 of 1,614,178 alleles (0.000062%); highest among the groups gnomAD compares: Non-Finnish European, 0.000085%; no homozygotes.

Submissions (2):

Color Diagnostics, LLC DBA Color Health
Classification: Uncertain significance for Cardiomyopathy. Last evaluated: 2025-05-12. Review status: criteria provided, single submitter. Criteria: ACMG Guidelines, 2015. Collection method: clinical testing. Allele origin: germline.
Comment: This missense variant replaces glycine with serine at codon 302 of the DSG2 protein. Computational prediction suggests that this variant may not impact protein structure and function. To our knowledge, functional studies have not been reported for this variant. This variant has not been reported in individuals affected with DSG2-related disorders in the literature. This variant has not been identified in the general population by the Genome Aggregation Database (gnomAD). The available evidence is insufficient to determine the role of this variant in disease conclusively. Therefore, this variant is classified as a Variant of Uncertain Significance.

Labcorp Genetics (formerly Invitae), Labcorp
Classification: Uncertain significance for Arrhythmogenic right ventricular dysplasia 10. Last evaluated: 2021-08-18. Review status: criteria provided, single submitter. Criteria: Invitae Variant Classification Sherloc (09022015). Collection method: clinical testing. Allele origin: germline.
Comment: This sequence change replaces glycine with serine at codon 302 of the DSG2 protein (p.Gly302Ser). The glycine residue is moderately conserved and there is a small physicochemical difference between glycine and serine. This variant is not present in population databases (ExAC no frequency). This variant has not been reported in the literature in individuals affected with DSG2-related conditions. Algorithms developed to predict the effect of missense changes on protein structure and function are either unavailable or do not agree on the potential impact of this missense change (SIFT: "Tolerated"; PolyPhen-2: "Probably Damaging"; Align-GVGD: "Class C0"). In summary, the available evidence is currently insufficient to determine the role of this variant in disease. Therefore, it has been classified as a Variant of Uncertain Significance.